The following is an entry in ClinVar:

ClinVar aggregate classification (germline): Uncertain significance (1 of 4 stars; one submission).

Conditions:
MACF1-related disorder. Also called: MACF1-related condition.

gnomAD v4.1: 1 of 1,613,840 alleles (0.000062%); highest among the groups gnomAD compares: Non-Finnish European, 0.000085%; no homozygotes.

Submission:

PreventionGenetics, part of Exact Sciences
Classification: Uncertain significance for MACF1-related condition. Last evaluated: 2025-01-09. Review status: criteria provided, single submitter. Criteria: ACMG Guidelines, 2015. Collection method: clinical testing. Allele origin: germline.
Comment: The MACF1 c.1165C>T variant is predicted to result in premature protein termination (p.Arg389*). To our knowledge, this variant has not been reported in the literature or in a large population database (gnomAD), indicating this variant is rare. At this time, the clinical significance of this variant is uncertain due to the absence of conclusive functional and genetic evidence.

NM_001394062.1(MACF1):c.1150C>T (p.Arg384Ter)

Gene: MACF1 (microtubule actin crosslinking factor 1; plus strand). Cytogenetic location: 1p34.3.
Variant type: single nucleotide variant.
Coding change: c.1150C>T on transcript NM_001394062.1 (MANE Select); coding-DNA position 1150, C replaced by T.
Protein change: p.Arg384Ter; replaces arginine 384 with a stop codon.
Molecular consequence: nonsense.
Genome position (GRCh38, 1-based): chr1:39,285,101, C>T. VCF-style: chr1-39285101-C-T. GRCh37 (hg19) VCF-style: chr1-39750773-C-T.
Other names: c.1165C>T, p.Arg389Ter (NM_012090.5); short protein forms R389*, R384*.
Identifiers: ClinVar variation 4986763 (VCV004986763.1).